The following is an entry in ClinVar:

ClinVar aggregate classification (germline): Uncertain significance (1 of 4 stars; one submission).

Conditions:
Hereditary cancer-predisposing syndrome. Also called: Hereditary Cancer Syndrome; Hereditary neoplastic syndrome; Neoplastic Syndromes, Hereditary; Tumor predisposition. Identifiers: Orphanet 140162, MedGen C0027672, MeSH D009386, MONDO:0015356.

Allele frequency attached by ClinVar (database versions not stated): ExAC 0.00001.

Submission:

Ambry Genetics
Classification: Uncertain significance for Hereditary cancer-predisposing syndrome. Last evaluated: 2021-12-11. Review status: criteria provided, single submitter. Criteria: Ambry Variant Classification Scheme 2023. Collection method: clinical testing. Allele origin: germline.
Comment: The p.Y518N variant (also known as c.1552T>A), located in coding exon 5 of the AXIN2 gene, results from a T to A substitution at nucleotide position 1552. The tyrosine at codon 518 is replaced by asparagine, an amino acid with dissimilar properties. This amino acid position is conserved. In addition, the in silico prediction for this alteration is inconclusive. Since supporting evidence is limited at this time, the clinical significance of this alteration remains unclear.

NM_004655.4(AXIN2):c.1552T>A (p.Tyr518Asn)

Gene: AXIN2 (axin 2; minus strand). Cytogenetic location: 17q24.1.
Variant type: single nucleotide variant.
Coding change: c.1552T>A on transcript NM_004655.4 (MANE Select); coding-DNA position 1552, T replaced by A.
Protein change: p.Tyr518Asn; replaces tyrosine 518 with asparagine.
Molecular consequence: missense variant.
Genome position (GRCh38, 1-based): chr17:65,537,484, A>T on the plus strand (T>A on the coding strand, the complement: AXIN2 is on the minus strand). VCF-style: chr17-65537484-A-T. GRCh37 (hg19) VCF-style: chr17-63533602-A-T.
Other names: c.1552T>A, p.Tyr518Asn (NM_001363813.1); short protein forms Y518N.
Identifiers: ClinVar variation 1775092 (VCV001775092.2), dbSNP rs761534462, ClinGen allele CA8718616.
Genomic context (GRCh38, chr17:65,537,484, plus strand): 5'-GCTGCGTGGCCTCCGCCTCGATCTCCTCCTTGGTCTTGGGGACGGCATGGTGGTGGATGT[A>T]GTGGTGGTGGACATGCTTCGTCGTCTGCTTGGTCACAAAGCCTTTGCCCCCGAGGAGGGG-3'
Protein context (NP_004646.3, residues 508-528): KQTTKHVHHH[Tyr518Asn]IHHHAVPKTK